The following is an entry in ClinVar:

ClinVar aggregate classification (germline): Likely benign (1 of 4 stars; one submission).

gnomAD v4.1: 2 of 1,439,192 alleles (0.00014%); highest among the groups gnomAD compares: Non-Finnish European, 0.00018%; no homozygotes.

Submission:

CeGaT Center for Human Genetics Tuebingen
Classification: Likely benign. Last evaluated: 2026-05-01. Review status: criteria provided, single submitter. Criteria: CeGaT Center For Human Genetics Tuebingen Variant Classification Criteria Version 2. Collection method: clinical testing. Allele origin: germline. Affected: yes. Observed: 1 variant allele.
Comment: SUZ12: BP4, BP7

NM_015355.4(SUZ12):c.69C>T (p.Gly23=)

Gene: SUZ12 (SUZ12 polycomb repressive complex 2 subunit; plus strand). Cytogenetic location: 17q11.2.
Variant type: single nucleotide variant.
Coding change: c.69C>T on transcript NM_015355.4 (MANE Select); coding-DNA position 69, C replaced by T.
Protein change: p.Gly23=; no amino-acid change (glycine 23 retained).
Molecular consequence: synonymous variant.
Genome position (GRCh38, 1-based): chr17:31,937,315, C>T. VCF-style: chr17-31937315-C-T. GRCh37 (hg19) VCF-style: chr17-30264334-C-T.
Other names: c.69C>T, p.Gly23= (NM_001321207.2).
Identifiers: ClinVar variation 4874921 (VCV004874921.2).